The following is an entry in ClinVar:

ClinVar aggregate classification (germline): Uncertain significance (1 of 4 stars; one submission).

gnomAD v4.1: 4 of 1,613,650 alleles (0.00025%); highest among the groups gnomAD compares: Non-Finnish European, 0.00034%; no homozygotes.

Submission:

Labcorp Genetics (formerly Invitae), Labcorp
Classification: Uncertain significance. Last evaluated: 2022-06-04. Review status: criteria provided, single submitter. Criteria: Invitae Variant Classification Sherloc (09022015). Collection method: clinical testing. Allele origin: germline.
Comment: This sequence change replaces arginine, which is basic and polar, with proline, which is neutral and non-polar, at codon 84 of the LCA5 protein (p.Arg84Pro). This variant is not present in population databases (gnomAD no frequency). This variant has not been reported in the literature in individuals affected with LCA5-related conditions. Algorithms developed to predict the effect of missense changes on protein structure and function are either unavailable or do not agree on the potential impact of this missense change (SIFT: "Tolerated"; PolyPhen-2: "Probably Damaging"; Align-GVGD: "Class C0"). In summary, the available evidence is currently insufficient to determine the role of this variant in disease. Therefore, it has been classified as a Variant of Uncertain Significance.

NM_001122769.3(LCA5):c.251G>C (p.Arg84Pro)

Gene: LCA5 (lebercilin LCA5; minus strand). Cytogenetic location: 6q14.1.
Variant type: single nucleotide variant.
Coding change: c.251G>C on transcript NM_001122769.3 (MANE Select); coding-DNA position 251, G replaced by C.
Protein change: p.Arg84Pro; replaces arginine 84 with proline.
Molecular consequence: missense variant.
Genome position (GRCh38, 1-based): chr6:79,513,681, C>G on the plus strand (G>C on the coding strand, the complement: LCA5 is on the minus strand). VCF-style: chr6-79513681-C-G. GRCh37 (hg19) VCF-style: chr6-80223398-C-G.
Other names: c.251G>C, p.Arg84Pro (NM_181714.4); short protein forms R84P.
Identifiers: ClinVar variation 2154240 (VCV002154240.1), dbSNP rs572580888, ClinGen allele CA3901155.